The following is an entry in ClinVar:

NM_000535.7(PMS2):c.548A>G (p.Lys183Arg)

Gene: PMS2 (PMS1 homolog 2, mismatch repair system component; minus strand). Cytogenetic location: 7p22.1.
Variant type: single nucleotide variant.
Coding change: c.548A>G on transcript NM_000535.7 (MANE Select); coding-DNA position 548, A replaced by G.
Protein change: p.Lys183Arg; replaces lysine 183 with arginine.
Molecular consequence: missense variant. On other transcripts: non-coding transcript variant (1), intron variant (3).
Genome position (GRCh38, 1-based): chr7:5,999,265, T>C on the plus strand (A>G on the coding strand, the complement: PMS2 is on the minus strand). VCF-style: chr7-5999265-T-C. GRCh37 (hg19) VCF-style: chr7-6038896-T-C.
Other names: c.143A>G, p.Lys48Arg (NM_001406889.1, NM_001406891.1, NM_001406890.1 and 22 more transcripts); c.230A>G, p.Lys77Arg (NM_001406883.1, NM_001322007.2, NM_001322008.2 and 4 more transcripts); c.548A>G, p.Lys183Arg (NM_001322006.2, NM_001322014.2, NM_001406869.1 and 5 more transcripts); c.239A>G, p.Lys80Arg (NM_001322015.2, NM_001406875.1, NM_001406877.1 and 6 more transcripts); c.734A>G, p.Lys245Arg (NM_001406866.1); c.572A>G, p.Lys191Arg (NM_001406868.1); c.133-1842A>G (NM_001322013.2); c.-347-39A>G (NM_001322012.2, NM_001322011.2); short protein forms K183R, K48R, K80R, K245R, K191R, K77R.
Identifiers: ClinVar variation 1747836 (VCV001747836.3), dbSNP rs2128802128, ClinGen allele CA366744117.

ClinVar aggregate classification (germline): Uncertain significance (1 of 4 stars; one submission).

Conditions:
Hereditary cancer-predisposing syndrome. Also called: Hereditary Cancer Syndrome; Hereditary neoplastic syndrome; Neoplastic Syndromes, Hereditary; Tumor predisposition. Identifiers: Orphanet 140162, MedGen C0027672, MeSH D009386, MONDO:0015356.

Allele frequency attached by ClinVar (database versions not stated): gnomAD exomes below 0.00001.
gnomAD v4.1: 2 of 1,613,970 alleles (0.00012%); highest among the groups gnomAD compares: Non-Finnish European, 0.00017%; no homozygotes.

Submission:

Ambry Genetics
Classification: Uncertain significance for Hereditary cancer-predisposing syndrome. Last evaluated: 2025-11-25. Review status: criteria provided, single submitter. Criteria: Ambry Variant Classification Scheme 2023. Collection method: clinical testing. Allele origin: germline.
Comment: The p.K183R variant (also known as c.548A>G), located in coding exon 6 of the PMS2 gene, results from an A to G substitution at nucleotide position 548. The lysine at codon 183 is replaced by arginine, an amino acid with highly similar properties. This amino acid position is well conserved in available vertebrate species. In addition, this alteration is predicted to be tolerated by in silico analysis. Based on the available evidence, the clinical significance of this variant remains unclear.